The following is an entry in ClinVar:

NM_022765.4(MICAL1):c.2358A>G (p.Thr786=)

Gene: MICAL1 (microtubule associated monooxygenase, calponin and LIM domain containing 1; minus strand). Cytogenetic location: 6q21.
Variant type: single nucleotide variant.
Coding change: c.2358A>G on transcript NM_022765.4 (MANE Select); coding-DNA position 2358, A replaced by G.
Protein change: p.Thr786=; no amino-acid change (threonine 786 retained).
Molecular consequence: synonymous variant.
Genome position (GRCh38, 1-based): chr6:109,446,359, T>C on the plus strand (A>G on the coding strand, the complement: MICAL1 is on the minus strand). VCF-style: chr6-109446359-T-C. GRCh37 (hg19) VCF-style: chr6-109767562-T-C.
Other names: c.2100A>G, p.Thr700= (NM_001159291.2); c.2415A>G, p.Thr805= (NM_001286613.2).
Identifiers: ClinVar variation 2788328 (VCV002788328.3), dbSNP rs1266216901, ClinGen allele CA451911511.

ClinVar aggregate classification (germline): Uncertain significance (1 of 4 stars; one submission).

Allele frequency attached by ClinVar (database versions not stated): gnomAD exomes below 0.00001.
gnomAD v4.1: 1 of 1,614,130 alleles (0.000062%); highest among the groups gnomAD compares: East Asian, 0.0022%; no homozygotes.

Submission:

Labcorp Genetics (formerly Invitae), Labcorp
Classification: Uncertain significance. Last evaluated: 2023-08-02. Review status: criteria provided, single submitter. Criteria: Invitae Variant Classification Sherloc (09022015). Collection method: clinical testing. Allele origin: germline.
Comment: In summary, the available evidence is currently insufficient to determine the role of this variant in disease. Therefore, it has been classified as a Variant of Uncertain Significance. Algorithms developed to predict the effect of sequence changes on RNA splicing suggest that this variant may disrupt the consensus splice site. This variant has not been reported in the literature in individuals affected with MICAL1-related conditions. This variant is present in population databases (no rsID available, gnomAD 0.006%). This sequence change affects codon 805 of the MICAL1 mRNA. It is a 'silent' change, meaning that it does not change the encoded amino acid sequence of the MICAL1 protein.